The following is an entry in ClinVar:

ClinVar aggregate classification (germline): Uncertain significance (1 of 4 stars; one submission).

Conditions:
Juvenile polyposis/hereditary hemorrhagic telangiectasia syndrome (JPHT). Also called: Juvenile Polyposis Syndrome / Hereditary Hemorrhagic Telangiectasia (JPS/HHT); JP/HHT SYNDROME; JUVENILE POLYPOSIS WITH HEREDITARY HEMORRHAGIC TELANGIECTASIA; POLYPOSIS, GENERALIZED JUVENILE, WITH PULMONARY ARTERIOVENOUS MALFORMATION; TELANGIECTASIA, HEREDITARY HEMORRHAGIC, WITH JUVENILE POLYPOSIS COLI. Identifiers: Orphanet 2929, MedGen C1832942, MONDO:0008278, OMIM 175050.

Submission:

All of Us Research Program, National Institutes of Health
Classification: Uncertain significance for Juvenile polyposis/hereditary hemorrhagic telangiectasia syndrome. Last evaluated: 2023-05-04. Review status: criteria provided, single submitter. Criteria: ACMG Guidelines, 2015. Collection method: clinical testing. Allele origin: germline. Inheritance: Autosomal dominant inheritance. Observed: 1 variant allele, 1 heterozygote.
Comment: This missense variant replaces proline with threonine at codon 186 of the SMAD4 protein. Computational prediction suggests that this variant may not impact protein structure and function (internally defined REVEL score threshold <= 0.5, PMID: 27666373). To our knowledge, functional studies have not been reported for this variant. This variant has not been reported in individuals affected with SMAD4-related disorders in the literature. This variant has not been identified in the general population by the Genome Aggregation Database (gnomAD). The available evidence is insufficient to determine the role of this variant in disease conclusively. Therefore, this variant is classified as a Variant of Uncertain Significance.

This study involves interpretation of variants in research participants for the purpose of population health screening. Participant phenotype was not available at the time of variant classification. Additional details can be found in publication PMID: 35346344, PMCID: PMC8962531

NM_005359.6(SMAD4):c.556C>A (p.Pro186Thr)

Gene: SMAD4 (SMAD family member 4; plus strand). Cytogenetic location: 18q21.2.
Variant type: single nucleotide variant.
Coding change: c.556C>A on transcript NM_005359.6 (MANE Select); coding-DNA position 556, C replaced by A.
Protein change: p.Pro186Thr; replaces proline 186 with threonine.
Molecular consequence: missense variant. On other transcripts: non-coding transcript variant (2).
Genome position (GRCh38, 1-based): chr18:51,054,882, C>A. VCF-style: chr18-51054882-C-A. GRCh37 (hg19) VCF-style: chr18-48581252-C-A.
Other names: c.556C>A, p.Pro186Thr (NM_001407041.1, NM_001407042.1, NM_001407043.1); short protein forms P186T.
Identifiers: ClinVar variation 3070849 (VCV003070849.1), dbSNP rs1555685648, ClinGen allele CA402460949.
Genomic context (GRCh38, chr18:51,054,882, plus strand): 5'-TTTGAGGGACAGCCATCGTTGTCCACTGAAGGACATTCAATTCAAACCATCCAGCATCCA[C>A]CAAGTAATCGTGCATCGACAGAGACATACAGCACCCCAGCTCTGTTAGCCCCATCTGAGT-3'
Protein context (NP_005350.1, residues 176-196): GHSIQTIQHP[Pro186Thr]SNRASTETYS